The following is an entry in ClinVar:

ClinVar aggregate classification (germline): Pathogenic (1 of 4 stars; one submission).

Submission:

Labcorp Genetics (formerly Invitae), Labcorp
Classification: Pathogenic. Last evaluated: 2024-05-05. Review status: criteria provided, single submitter. Criteria: Invitae Variant Classification Sherloc (09022015). Collection method: clinical testing. Allele origin: germline.
Comment: This sequence change creates a premature translational stop signal (p.Ile228Lysfs*3) in the ASNS gene. It is expected to result in an absent or disrupted protein product. Loss-of-function variants in ASNS are known to be pathogenic (PMID: 27422383, 30057589). This variant is not present in population databases (gnomAD no frequency). This variant has not been reported in the literature in individuals affected with ASNS-related conditions. For these reasons, this variant has been classified as Pathogenic.

Literature cited by the submitters: PubMed 27422383; PubMed 30057589.

NM_001673.5(ASNS):c.683_686del (p.Ile228fs)

Genes: ASNS (asparagine synthetase (glutamine-hydrolyzing); minus strand), CZ1P-ASNS (CZ1P-ASNS readthrough; minus strand). Cytogenetic location: 7q21.3.
Variant type: Deletion.
Coding change: c.683_686del on transcript NM_001673.5 (MANE Select); coding-DNA positions 683 to 686, 4 bases deleted (TAGA; older notation c.683_686delTAGA).
Protein change: p.Ile228fs; shifts the reading frame from isoleucine 228.
Molecular consequence: frameshift variant. On other transcripts: non-coding transcript variant (1).
Genome position (GRCh38, 1-based): chr7:97,858,943-97,858,946, TCTA deleted on the plus strand (TAGA on the coding strand, the reverse complement: ASNS is on the minus strand); deleting any 4 consecutive bases within chr7:97,858,943-97,858,949 gives the same sequence; the c. name uses the placement nearest the transcript's 3' end. VCF-style (leftmost placement, unchanged base first): chr7-97858942-TTCTA-T. GRCh37 (hg19) VCF-style: chr7-97488254-TTCTA-T.
Other names: c.683_686del, p.Ile228fs (NM_183356.4, NM_001352496.2, NM_133436.3); c.620_623del, p.Ile207fs (NM_001178075.2); c.434_437del, p.Ile145fs (NM_001178076.2, NM_001178077.1); short protein forms I145fs, I207fs, I228fs.
Identifiers: ClinVar variation 3684184 (VCV003684184.2).